The following is an entry in ClinVar:

NM_001077525.3(MTMR14):c.626A>G (p.Lys209Arg)

Gene: MTMR14 (myotubularin related protein 14; plus strand). Cytogenetic location: 3p25.3.
Variant type: single nucleotide variant.
Coding change: c.626A>G on transcript NM_001077525.3 (MANE Select); coding-DNA position 626, A replaced by G.
Protein change: p.Lys209Arg; replaces lysine 209 with arginine.
Molecular consequence: missense variant. On other transcripts: 5 prime UTR variant (16), non-coding transcript variant (9).
Genome position (GRCh38, 1-based): chr3:9,671,119, A>G. VCF-style: chr3-9671119-A-G. GRCh37 (hg19) VCF-style: chr3-9712803-A-G.
Other names: c.626A>G, p.Lys209Arg (NM_001077526.3, NM_001400520.1, NM_001400523.1 and 2 more transcripts); c.695A>G, p.Lys232Arg (NM_001400518.1, NM_001400521.1, NM_001400526.1); c.623A>G, p.Lys208Arg (NM_001400519.1, NM_001400522.1); c.380A>G, p.Lys127Arg (NM_001400524.1, NM_001400527.1, NM_001400530.1 and 1 more transcripts); c.344A>G, p.Lys115Arg (NM_001400525.1, NM_001400529.1, NM_001400532.1 and 1 more transcripts); c.377A>G, p.Lys126Arg (NM_001400531.1); c.-17A>G (NM_001400533.1, NM_001400534.1, NM_001400535.1 and 9 more transcripts); c.-90A>G (NM_001400544.1, NM_001400547.1, NM_001400548.1 and 1 more transcripts); short protein forms K115R, K126R, K208R, K209R, K232R, K127R.
Identifiers: ClinVar variation 2334664 (VCV002334664.6), dbSNP rs747671579, ClinGen allele CA2240376.

ClinVar aggregate classification (germline): Uncertain significance. Review status: criteria provided, multiple submitters, no conflicts (2 of 4 stars). 3 submissions from 3 submitters: Uncertain significance (3). Last evaluated 2025-05-20.

Allele frequency attached by ClinVar (database versions not stated): ExAC 0.00002; gnomAD 0.00003; TOPMed 0.00004.
gnomAD v4.1: 51 of 1,614,104 alleles (0.0032%); highest among the groups gnomAD compares: African/African-American, 0.0067%; no homozygotes.

Submissions (3):

Labcorp Genetics (formerly Invitae), Labcorp
Classification: Uncertain significance. Last evaluated: 2025-05-20. Review status: criteria provided, single submitter. Criteria: Invitae Variant Classification Sherloc (09022015). Collection method: clinical testing. Allele origin: germline.
Comment: This sequence change replaces lysine, which is basic and polar, with arginine, which is basic and polar, at codon 209 of the MTMR14 protein (p.Lys209Arg). This variant is present in population databases (rs747671579, gnomAD 0.02%). This variant has not been reported in the literature in individuals affected with MTMR14-related conditions. ClinVar contains an entry for this variant (Variation ID: 2334664). Invitae Evidence Modeling of protein sequence and biophysical properties (such as structural, functional, and spatial information, amino acid conservation, physicochemical variation, residue mobility, and thermodynamic stability) indicates that this missense variant is not expected to disrupt MTMR14 protein function with a negative predictive value of 80%. In summary, the available evidence is currently insufficient to determine the role of this variant in disease. Therefore, it has been classified as a Variant of Uncertain Significance.

Ambry Genetics
Classification: Uncertain significance. Last evaluated: 2022-11-08. Review status: criteria provided, single submitter. Criteria: Ambry Variant Classification Scheme 2023. Collection method: clinical testing. Allele origin: germline.

Revvity Omics, Revvity
Classification: Uncertain significance. Last evaluated: 2019-01-09. Review status: criteria provided, single submitter. Criteria: ACMG Guidelines, 2015. Collection method: clinical testing. Allele origin: germline.